The following is an entry in ClinVar:

NM_000289.6(PFKM):c.2053A>G (p.Asn685Asp)

Gene: PFKM (phosphofructokinase, muscle; plus strand). Cytogenetic location: 12q13.11.
Variant type: single nucleotide variant.
Coding change: c.2053A>G on transcript NM_000289.6 (MANE Select); coding-DNA position 2053, A replaced by G.
Protein change: p.Asn685Asp; replaces asparagine 685 with aspartic acid.
Molecular consequence: missense variant. On other transcripts: non-coding transcript variant (6).
Genome position (GRCh38, 1-based): chr12:48,145,091, A>G. VCF-style: chr12-48145091-A-G. GRCh37 (hg19) VCF-style: chr12-48538874-A-G.
Other names: c.2266A>G, p.Asn756Asp (NM_001166686.2, NM_001354737.1, NM_001354738.1 and 1 more transcripts); c.2053A>G, p.Asn685Asp (NM_001166687.2, NM_001166688.2, NM_001354742.2 and 2 more transcripts); c.2362A>G, p.Asn788Asp (NM_001354735.1, NM_001354736.1); c.2197A>G, p.Asn733Asp (NM_001354740.1); c.2077A>G, p.Asn693Asp (NM_001354741.2); c.1966A>G, p.Asn656Asp (NM_001354745.2); c.1927A>G, p.Asn643Asp (NM_001354746.2); c.1903A>G, p.Asn635Asp (NM_001354747.2, NM_001354748.2); and 1 more; short protein forms N643D, N656D, N733D, N756D, N654D, N685D, N693D, N635D.
Identifiers: ClinVar variation 2066447 (VCV002066447.4), dbSNP rs555575015, ClinGen allele CA6537520.

ClinVar aggregate classification (germline): Uncertain significance. Review status: criteria provided, multiple submitters, no conflicts (2 of 4 stars). 2 submissions from 2 submitters: Uncertain significance (2). Last evaluated 2024-12-04.

Conditions:
Glycogen storage disease, type VII (GSD7). Also called: TARUI DISEASE; GSD VII; MUSCLE PHOSPHOFRUCTOKINASE DEFICIENCY; PFKM DEFICIENCY. Identifiers: Orphanet 371, MedGen C0017926, MONDO:0009295, OMIM 232800.

Allele frequency attached by ClinVar (database versions not stated): gnomAD exomes 0.00001; ExAC 0.00002; gnomAD 0.00007; TOPMed 0.00009; 1000 Genomes Project 30x 0.00016; 1000 Genomes Project 0.00020.
gnomAD v4.1: 18 of 1,614,154 alleles (0.0011%); highest among the groups gnomAD compares: African/African-American, 0.024%; no homozygotes.

Submissions (2):

Revvity Omics, Revvity
Classification: Uncertain significance for Glycogen storage disease, type VII. Last evaluated: 2024-12-04. Review status: criteria provided, single submitter. Criteria: ACMG Guidelines, 2015. Collection method: clinical testing. Allele origin: germline.

Labcorp Genetics (formerly Invitae), Labcorp
Classification: Uncertain significance for Glycogen storage disease, type VII. Last evaluated: 2022-06-14. Review status: criteria provided, single submitter. Criteria: Invitae Variant Classification Sherloc (09022015). Collection method: clinical testing. Allele origin: germline.
Comment: This sequence change replaces asparagine, which is neutral and polar, with aspartic acid, which is acidic and polar, at codon 685 of the PFKM protein (p.Asn685Asp). This variant is present in population databases (rs555575015, gnomAD 0.03%). This variant has not been reported in the literature in individuals affected with PFKM-related conditions. Algorithms developed to predict the effect of missense changes on protein structure and function (SIFT, PolyPhen-2, Align-GVGD) all suggest that this variant is likely to be tolerated. In summary, the available evidence is currently insufficient to determine the role of this variant in disease. Therefore, it has been classified as a Variant of Uncertain Significance.